The following is an entry in ClinVar:

ClinVar aggregate classification (germline): Uncertain significance (1 of 4 stars; one submission).

Allele frequency attached by ClinVar (database versions not stated): gnomAD exomes below 0.00001 and 0.00001; TOPMed below 0.00001.
gnomAD v4.1: 2 of 1,613,974 alleles (0.00012%); highest among the groups gnomAD compares: South Asian, 0.0011%; no homozygotes.

Submission:

Labcorp Genetics (formerly Invitae), Labcorp
Classification: Uncertain significance. Last evaluated: 2022-08-09. Review status: criteria provided, single submitter. Criteria: Invitae Variant Classification Sherloc (09022015). Collection method: clinical testing. Allele origin: germline.
Comment: In summary, the available evidence is currently insufficient to determine the role of this variant in disease. Therefore, it has been classified as a Variant of Uncertain Significance. Algorithms developed to predict the effect of missense changes on protein structure and function (SIFT, PolyPhen-2, Align-GVGD) all suggest that this variant is likely to be tolerated. ClinVar contains an entry for this variant (Variation ID: 1438340). This variant has not been reported in the literature in individuals affected with PCDH15-related conditions. This variant is present in population databases (no rsID available, gnomAD 0.003%). This sequence change replaces histidine, which is basic and polar, with tyrosine, which is neutral and polar, at codon 797 of the PCDH15 protein (p.His797Tyr).

NM_001384140.1(PCDH15):c.2389C>T (p.His797Tyr)

Gene: PCDH15 (protocadherin related 15; minus strand). Cytogenetic location: 10q21.1.
Variant type: single nucleotide variant.
Coding change: c.2389C>T on transcript NM_001384140.1 (MANE Select); coding-DNA position 2389, C replaced by T.
Protein change: p.His797Tyr; replaces histidine 797 with tyrosine.
Molecular consequence: missense variant.
Genome position (GRCh38, 1-based): chr10:54,023,029, G>A on the plus strand (C>T on the coding strand, the complement: PCDH15 is on the minus strand). VCF-style: chr10-54023029-G-A. GRCh37 (hg19) VCF-style: chr10-55782789-G-A.
Other names: c.2404C>T, p.His802Tyr (NM_001142763.2, NM_001142771.2); c.2389C>T, p.His797Tyr (NM_001142764.2, NM_001142766.2, NM_001142770.3 and 5 more transcripts); c.2176C>T, p.His726Tyr (NM_001142765.2); c.2278C>T, p.His760Tyr (NM_001142767.2); c.2323C>T, p.His775Tyr (NM_001142768.2, NM_001142773.2, NM_001354404.2); c.2425C>T, p.His809Tyr (NM_001142769.4); c.2410C>T, p.His804Tyr (NM_001354411.2); short protein forms H775Y, H802Y, H760Y, H726Y, H797Y, H809Y, H804Y.
Identifiers: ClinVar variation 1438340 (VCV001438340.4), dbSNP rs1333595432, ClinGen allele CA376523462.
Genomic context (GRCh38, chr10:54,023,029, plus strand): 5'-GACTGTTATCATCAATGTCCAAAACCTTGATGGCCAAGGTTAGAGTTGAATGACGAGGGT[G>A]TACTGCTCCATCTGTTGCCACAACAACAAGTTCATAGTAGTCCCTGACTTCTCTGTTAAG-3'
Protein context (NP_001371069.1, residues 787-807): LVVVATDGAV[His797Tyr]PRHSTLTLAI